The following is an entry in ClinVar:

NM_006642.5(SDCCAG8):c.1336C>A (p.Arg446=)

Gene: SDCCAG8 (SHH signaling and ciliogenesis regulator SDCCAG8; plus strand). Cytogenetic location: 1q43.
Variant type: single nucleotide variant.
Coding change: c.1336C>A on transcript NM_006642.5 (MANE Select); coding-DNA position 1336, C replaced by A.
Protein change: p.Arg446=; no amino-acid change (arginine 446 retained).
Molecular consequence: synonymous variant.
Genome position (GRCh38, 1-based): chr1:243,341,153, C>A. VCF-style: chr1-243341153-C-A. GRCh37 (hg19) VCF-style: chr1-243504455-C-A.
Other names: c.433C>A, p.Arg145= (NM_001350246.2, NM_001350247.2, NM_001350251.2); c.1432C>A, p.Arg478= (NM_001350248.2); c.1042C>A, p.Arg348= (NM_001350249.2); c.1336C>A (NM_006642.3).
Identifiers: ClinVar variation 2931486 (VCV002931486.4), dbSNP rs769286565, ClinGen allele CA424095598.
Genomic context (GRCh38, chr1:243,341,153, plus strand): 5'-ACAAAGGAAAAGATTTCAGCTATTAATCAACTGGAGGAAATTCAAAGCCAGCTGGCTTCT[C>A]GGGAAATGGATGTCACAAAGGTACAGAAAGAGATTTTAGTGTAATCGTTACTTAAGGAAA-3'
Protein context (NP_006633.1, residues 436-456): LEEIQSQLAS[Arg446=]EMDVTKVCGE

ClinVar aggregate classification (germline): Likely benign. Review status: criteria provided, single submitter (1 of 4 stars). 2 submissions from 2 submitters: Likely benign (1). 1 of the submissions does not count toward it. Last evaluated 2023-06-24.

Conditions:
SDCCAG8-related disorder. Also called: SDCCAG8-Related Disorders; SDCCAG8-related condition.
Senior-Loken syndrome 7 (SLSN7). Identifiers: Orphanet 3156, MedGen C3150877, MONDO:0013326, OMIM 613615.
Bardet-Biedl syndrome 16 (BBS16). Identifiers: Orphanet 110, MedGen C3889474, MONDO:0014444, OMIM 615993.

Submissions (2):

Labcorp Genetics (formerly Invitae), Labcorp
Classification: Likely benign for Bardet-Biedl syndrome 16; Senior-Loken syndrome 7. Last evaluated: 2023-06-24. Review status: criteria provided, single submitter. Criteria: Invitae Variant Classification Sherloc (09022015). Collection method: clinical testing. Allele origin: germline.

PreventionGenetics, part of Exact Sciences
Classification: Likely benign for SDCCAG8-related condition. Last evaluated: 2021-11-19. Review status: no assertion criteria provided. Collection method: clinical testing. Allele origin: germline. Not counted in ClinVar's aggregate classification.
Comment: This variant is classified as likely benign based on ACMG/AMP sequence variant interpretation guidelines (Richards et al. 2015 PMID: 25741868, with internal and published modifications).